The following is an entry in ClinVar:

ClinVar aggregate classification (germline): Conflicting classifications of pathogenicity. Review status: criteria provided, conflicting classifications (1 of 4 stars). 2 submissions from 2 submitters: Uncertain significance (1); Likely benign (1). Last evaluated 2025-11-03.

Conditions:
Inborn genetic diseases. Identifiers: MedGen C0950123, MeSH D030342.
Neurodevelopmental disorder with or without hyperkinetic movements and seizures, autosomal dominant. Also called: Intellectual disability, autosomal dominant 8. Identifiers: MedGen C3280282, MONDO:0013655, OMIM 614254.

Allele frequency attached by ClinVar (database versions not stated): gnomAD 0.00001; gnomAD exomes 0.00001; ExAC 0.00002; TOPMed 0.00003.
gnomAD v4.1: 9 of 1,613,986 alleles (0.00056%); highest among the groups gnomAD compares: Middle Eastern, 0.016%; no homozygotes.

Submissions (2):

Labcorp Genetics (formerly Invitae), Labcorp
Classification: Likely benign for Neurodevelopmental disorder with or without hyperkinetic movements and seizures, autosomal dominant. Last evaluated: 2025-11-03. Review status: criteria provided, single submitter. Criteria: Invitae Variant Classification Sherloc (09022015). Collection method: clinical testing. Allele origin: germline.

Ambry Genetics
Classification: Uncertain significance for Inborn genetic diseases. Last evaluated: 2018-12-13. Review status: criteria provided, single submitter. Criteria: Ambry Variant Classification Scheme 2023. Collection method: clinical testing. Allele origin: germline.
Comment: The p.R115H variant (also known as c.344G>A), located in coding exon 2 of the GRIN1 gene, results from a G to A substitution at nucleotide position 344. The arginine at codon 115 is replaced by histidine, an amino acid with highly similar properties. This amino acid position is highly conserved in available vertebrate species. In addition, this alteration is predicted to be tolerated by in silico analysis. Since supporting evidence is limited at this time, the clinical significance of this alteration remains unclear.

NM_007327.4(GRIN1):c.344G>A (p.Arg115His)

Gene: GRIN1 (glutamate ionotropic receptor NMDA type subunit 1; plus strand). Cytogenetic location: 9q34.3.
Variant type: single nucleotide variant.
Coding change: c.344G>A on transcript NM_007327.4 (MANE Select); coding-DNA position 344, G replaced by A.
Protein change: p.Arg115His; replaces arginine 115 with histidine.
Molecular consequence: missense variant.
Genome position (GRCh38, 1-based): chr9:137,142,098, G>A. VCF-style: chr9-137142098-G-A. GRCh37 (hg19) VCF-style: chr9-140036550-G-A.
Other names: c.344G>A, p.Arg115His (NM_000832.7, NM_001185090.2, NM_001185091.2 and 1 more transcripts); short protein forms R115H.
Identifiers: ClinVar variation 951511 (VCV000951511.13), dbSNP rs774822539, ClinGen allele CA5360615.